The following is an entry in ClinVar:

NM_033004.4(NLRP1):c.4184C>T (p.Ser1395Leu)

Gene: NLRP1 (NLR family pyrin domain containing 1; minus strand). Cytogenetic location: 17p13.2.
Variant type: single nucleotide variant.
Coding change: c.4184C>T on transcript NM_033004.4 (MANE Select); coding-DNA position 4184, C replaced by T.
Protein change: p.Ser1395Leu; replaces serine 1395 with leucine.
Molecular consequence: missense variant. On other transcripts: intron variant (1).
Genome position (GRCh38, 1-based): chr17:5,514,992, G>A on the plus strand (C>T on the coding strand, the complement: NLRP1 is on the minus strand). VCF-style: chr17-5514992-G-A. GRCh37 (hg19) VCF-style: chr17-5418312-G-A.
Other names: c.4052C>T, p.Ser1351Leu (NM_014922.5); c.4094C>T, p.Ser1365Leu (NM_033006.4); c.3962C>T, p.Ser1321Leu (NM_033007.4); c.4069+2754C>T (NM_001033053.3); short protein forms S1321L, S1351L, S1365L, S1395L.
Identifiers: ClinVar variation 1359039 (VCV001359039.7), dbSNP rs200352367, ClinGen allele CA8326610.

ClinVar aggregate classification (germline): Uncertain significance. Review status: criteria provided, multiple submitters, no conflicts (2 of 4 stars). 2 submissions from 2 submitters: Uncertain significance (2). Last evaluated 2026-01-17.

Allele frequency attached by ClinVar (database versions not stated): ESP Exome Variant Server 0.00008; ExAC 0.00012; gnomAD exomes 0.00016 and 0.00041; gnomAD 0.00023 and 0.00027; TOPMed 0.00026.
gnomAD v4.1: 642 of 1,614,048 alleles (0.04%); highest among the groups gnomAD compares: Non-Finnish European, 0.049%; 1 homozygote.

Submissions (2):

Labcorp Genetics (formerly Invitae), Labcorp
Classification: Uncertain significance. Last evaluated: 2026-01-17. Review status: criteria provided, single submitter. Criteria: Invitae Variant Classification Sherloc (09022015). Collection method: clinical testing. Allele origin: germline.
Comment: This sequence change replaces serine, which is neutral and polar, with leucine, which is neutral and non-polar, at codon 1395 of the NLRP1 protein (p.Ser1395Leu). This variant is present in population databases (rs200352367, gnomAD 0.03%). This variant has not been reported in the literature in individuals affected with NLRP1-related conditions. ClinVar contains an entry for this variant (Variation ID: 1359039). An algorithm developed to predict the effect of missense changes on protein structure and function outputs the following: PolyPhen-2: "Possibly Damaging". The leucine amino acid residue is found in multiple mammalian species, which suggests that this missense change does not adversely affect protein function. In summary, the available evidence is currently insufficient to determine the role of this variant in disease. Therefore, it has been classified as a Variant of Uncertain Significance.

Blueprint Genetics
Classification: Uncertain significance. Last evaluated: 2024-05-27. Review status: criteria provided, single submitter. Criteria: ACMG Guidelines, 2015. Collection method: clinical testing. Allele origin: germline.